The following is an entry in ClinVar:

ClinVar aggregate classification (germline): Uncertain significance (1 of 4 stars; one submission).

Submission:

Labcorp Genetics (formerly Invitae), Labcorp
Classification: Uncertain significance. Last evaluated: 2022-07-22. Review status: criteria provided, single submitter. Criteria: Invitae Variant Classification Sherloc (09022015). Collection method: clinical testing. Allele origin: germline.
Comment: Algorithms developed to predict the effect of missense changes on protein structure and function are either unavailable or do not agree on the potential impact of this missense change (SIFT: "Not Available"; PolyPhen-2: "Benign"; Align-GVGD: "Not Available"). This sequence change replaces glutamine, which is neutral and polar, with proline, which is neutral and non-polar, at codon 2032 of the POLE protein (p.Gln2032Pro). Information on the frequency of this variant in the gnomAD database is not available, as this variant may be reported differently in the database. This variant has not been reported in the literature in individuals affected with POLE-related conditions. In summary, the available evidence is currently insufficient to determine the role of this variant in disease. Therefore, it has been classified as a Variant of Uncertain Significance.

NM_006231.4(POLE):c.6095_6096delinsCA (p.Gln2032Pro)

Gene: POLE (DNA polymerase epsilon, catalytic subunit; minus strand). Cytogenetic location: 12q24.33.
Variant type: Indel.
Coding change: c.6095_6096delinsCA on transcript NM_006231.4 (MANE Select); coding-DNA positions 6095 to 6096, AG replaced by CA.
Protein change: p.Gln2032Pro; replaces glutamine 2032 with proline.
Molecular consequence: missense variant.
Genome position (GRCh38, 1-based): chr12:132,632,704-132,632,705, CT replaced by TG on the plus strand (AG replaced by CA on the coding strand, the reverse complement: POLE is on the minus strand). VCF-style: chr12-132632704-CT-TG. GRCh37 (hg19) VCF-style: chr12-133209290-CT-TG.
Other names: short protein forms Q2032P.
Identifiers: ClinVar variation 1713289 (VCV001713289.5), dbSNP rs2541855804, ClinGen allele CA2580086139.
Genomic context (GRCh38, chr12:132,632,704, plus strand): 5'-AAAGACAAAAGACTGCTCACCGGGAAGGGCTCCGACCGCCCCCTCGGCCTCCTGGGAGAG[CT>TG]GGCTGGCCCCCCTCCTCCTCACGGGGGTGCTCCCTGGAGCACTGCGCCTCAGCCCGTCCT-3'
Protein context (NP_006222.2, residues 2022-2042): STPVRRRGAS[Gln2032Pro]LSQEAEGAVG